The following is an entry in ClinVar:

ClinVar aggregate classification (germline): Pathogenic/Likely pathogenic. Review status: criteria provided, multiple submitters, no conflicts (2 of 4 stars). 5 submissions from 5 submitters: Pathogenic (2); Likely pathogenic (3). Last evaluated 2025-11-18.

Conditions:
Polycystic kidney disease 4 (PKD4). Also called: POLYCYSTIC KIDNEY DISEASE 4 WITH OR WITHOUT POLYCYSTIC LIVER DISEASE; PKD3; POLYCYSTIC KIDNEY AND HEPATIC DISEASE 1; POLYCYSTIC KIDNEY DISEASE, INFANTILE, TYPE I; Autosomal Recessive Polycystic Kidney Disease – PKHD1. Identifiers: MedGen C4540575, MONDO:0033004, OMIM 263200.
PKHD1-related disorder. Also called: PKHD1-related condition.
Autosomal recessive polycystic kidney disease (ARPKD). Also called: AR polycystic kidney disease. Identifiers: Orphanet 731, Orphanet 8378, MedGen C0085548, MeSH D017044, MONDO:0009889.

Allele frequency attached by ClinVar (database versions not stated): gnomAD exomes below 0.00001; TOPMed below 0.00001; gnomAD 0.00003.

Submissions (5):

Natera, Inc.
Classification: Likely pathogenic for Autosomal recessive polycystic kidney disease. Last evaluated: 2025-11-18. Review status: criteria provided, single submitter. Criteria: Natera Variant Classification Schema (03/2026). Collection method: clinical testing. Allele origin: germline.
Comment: The c.9338delC variant in PKHD1 is a frameshift variant predicted to shift the reading frame beginning at codon 3113 and leads to a stop codon 49 codons downstream. This variant is expected to result in nonsense mediated decay, truncation, or a dysfunctional protein product. This variant is rare in the general population with a frequency below the threshold expected for the associated phenotype(s). Given the available evidence, this variant is classified as Likely Pathogenic.

PreventionGenetics, part of Exact Sciences
Classification: Pathogenic for PKHD1-related condition. Last evaluated: 2025-09-16. Review status: criteria provided, single submitter. Criteria: ACMG Guidelines, 2015. Collection method: clinical testing. Allele origin: germline.
Comment: The PKHD1 c.9338delC variant is predicted to result in a frameshift and premature protein termination (p.Ser3113Phefs*49). This variant has been reported in the heterozygous state in an individual with congenital anomalies of kidney and urinary tract (Nicolaou et al. 2016. PubMed ID: 26489027). This variant is reported in 0.013% of alleles in individuals of European (non-Finnish) descent in gnomAD. Frameshift variants in PKHD1 are expected to be pathogenic. This variant is interpreted as pathogenic.

Baylor Genetics
Classification: Likely pathogenic for Polycystic kidney disease 4. Last evaluated: 2024-02-26. Review status: criteria provided, single submitter. Criteria: ACMG Guidelines, 2015. Collection method: clinical testing. Allele origin: unknown.

Blueprint Genetics
Classification: Likely pathogenic for PKHD1-related disorders. Last evaluated: 2023-11-20. Review status: criteria provided, single submitter. Criteria: ACMG Guidelines, 2015. Collection method: clinical testing. Allele origin: germline. Affected: yes. Observed: 2 variant alleles.

Labcorp Genetics (formerly Invitae), Labcorp
Classification: Pathogenic for Autosomal recessive polycystic kidney disease. Last evaluated: 2020-11-07. Review status: criteria provided, single submitter. Criteria: Invitae Variant Classification Sherloc (09022015). Collection method: clinical testing. Allele origin: germline.
Comment: For these reasons, this variant has been classified as Pathogenic. This variant has been observed in individual(s) with congenital anomalies of the kidney and urinary tract (PMID: 26489027). This variant is not present in population databases (ExAC no frequency). This sequence change creates a premature translational stop signal (p.Ser3113Phefs*49) in the PKHD1 gene. It is expected to result in an absent or disrupted protein product. Loss-of-function variants in PKHD1 are known to be pathogenic (PMID: 19940839).

Literature cited by the submitters: PubMed 26489027 (cited by Labcorp Genetics (formerly Invitae), Labcorp); PubMed 19940839 (cited by Labcorp Genetics (formerly Invitae), Labcorp).

NM_138694.4(PKHD1):c.9338del (p.Ser3113fs)

Gene: PKHD1 (PKHD1 ciliary IPT domain containing fibrocystin/polyductin; minus strand). Cytogenetic location: 6p12.3.
Variant type: Deletion.
Coding change: c.9338del on transcript NM_138694.4 (MANE Select); coding-DNA position 9338, one base deleted (C; older notation c.9338delC).
Protein change: p.Ser3113fs; shifts the reading frame from serine 3113.
Molecular consequence: frameshift variant.
Genome position (GRCh38, 1-based): chr6:51,748,278, G deleted on the plus strand (C on the coding strand, the reverse complement: PKHD1 is on the minus strand). VCF-style (leftmost placement, unchanged base first): chr6-51748277-AG-A. GRCh37 (hg19) VCF-style: chr6-51613075-AG-A.
Other names: c.9338delC (NM_138694.3); c.9338del, p.Ser3113fs (NM_170724.3); short protein forms S3113fs.
Identifiers: ClinVar variation 1458661 (VCV001458661.12), dbSNP rs1388716999, ClinGen allele CA567636018.